The following is an entry in ClinVar:

NM_024426.6(WT1):c.988T>C (p.Ser330Pro)

Gene: WT1 (WT1 transcription factor; minus strand). Cytogenetic location: 11p13.
Variant type: single nucleotide variant.
Coding change: c.988T>C on transcript NM_024426.6 (MANE Select); coding-DNA position 988, T replaced by C.
Protein change: p.Ser330Pro; replaces serine 330 with proline.
Molecular consequence: missense variant. On other transcripts: non-coding transcript variant (1), intron variant (2).
Genome position (GRCh38, 1-based): chr11:32,416,518, A>G on the plus strand (T>C on the coding strand, the complement: WT1 is on the minus strand). VCF-style: chr11-32416518-A-G. GRCh37 (hg19) VCF-style: chr11-32438064-A-G.
Other names: c.337T>C, p.Ser113Pro (NM_001198551.2); c.988T>C, p.Ser330Pro (NM_001407044.1, NM_001407046.1, NM_024424.5); c.865T>C, p.Ser289Pro (NM_001407047.1); c.226T>C, p.Ser76Pro (NM_001407051.1); c.965+1059T>C (NM_000378.6); c.314+1059T>C (NM_001198552.2); c.973T>C (NM_024426.4); short protein forms S113P, S330P, S289P, S325P, S76P.
Identifiers: ClinVar variation 1426687 (VCV001426687.8), dbSNP rs879279620, ClinGen allele CA219495745.

ClinVar aggregate classification (germline): Uncertain significance. Review status: criteria provided, multiple submitters, no conflicts (2 of 4 stars). 2 submissions from 2 submitters: Uncertain significance (2). Last evaluated 2026-06-29.

Conditions:
Wilms tumor 1 (WT1). Also called: Wilms tumor, somatic. Identifiers: Orphanet 654, MedGen CN033288, MONDO:0008679, OMIM 194070.
11p partial monosomy syndrome (WAGR). Also called: WAGR syndrome; WAGR Complex; CHROMOSOME 11p13 DELETION SYNDROME; WAGR Spectrum Disorder. Identifiers: Orphanet 893, MedGen C0206115, MONDO:0008681, OMIM 194072.
Drash syndrome (DDS). Also called: WILMS TUMOR AND PSEUDO- OR TRUE HERMAPHRODITISM; NEPHROPATHY, WILMS TUMOR, AND GENITAL ANOMALIES. Identifiers: Orphanet 220, MedGen C0950121, MONDO:0008682, OMIM 194080.
Frasier syndrome. Identifiers: Orphanet 347, MedGen C0950122, MeSH D052159, MONDO:0007635, OMIM 136680.
Inborn genetic diseases. Identifiers: MedGen C0950123, MeSH D030342.

Submissions (2):

Ambry Genetics
Classification: Uncertain significance for Inborn genetic diseases. Last evaluated: 2026-06-29. Review status: criteria provided, single submitter. Criteria: Ambry Variant Classification Scheme 2023. Collection method: clinical testing. Allele origin: germline.
Comment: The p.S325P variant (also known as c.973T>C), located in coding exon 5 of the WT1 gene, results from a T to C substitution at nucleotide position 973. The serine at codon 325 is replaced by proline, an amino acid with similar properties. This amino acid position is highly conserved in available vertebrate species. In addition, the in silico prediction for this alteration is inconclusive. Based on the available evidence, the clinical significance of this variant remains unclear.

Labcorp Genetics (formerly Invitae), Labcorp
Classification: Uncertain significance for Wilms tumor 1; Drash syndrome; 11p partial monosomy syndrome; Frasier syndrome. Last evaluated: 2021-10-07. Review status: criteria provided, single submitter. Criteria: Invitae Variant Classification Sherloc (09022015). Collection method: clinical testing. Allele origin: germline.
Comment: In summary, the available evidence is currently insufficient to determine the role of this variant in disease. Therefore, it has been classified as a Variant of Uncertain Significance. Algorithms developed to predict the effect of missense changes on protein structure and function are either unavailable or do not agree on the potential impact of this missense change (SIFT: "Deleterious"; PolyPhen-2: "Benign"; Align-GVGD: "Class C0"). This variant has not been reported in the literature in individuals affected with WT1-related conditions. This variant is not present in population databases (ExAC no frequency). This sequence change replaces serine with proline at codon 325 of the WT1 protein (p.Ser325Pro). The serine residue is moderately conserved and there is a moderate physicochemical difference between serine and proline.